The following is an entry in ClinVar:

NM_001204.7(BMPR2):c.1592T>G (p.Leu531Arg)

Gene: BMPR2 (bone morphogenetic protein receptor type 2; plus strand). Cytogenetic location: 2q33.2.
Variant type: single nucleotide variant.
Coding change: c.1592T>G on transcript NM_001204.7 (MANE Select); coding-DNA position 1592, T replaced by G.
Protein change: p.Leu531Arg; replaces leucine 531 with arginine.
Molecular consequence: missense variant.
Genome position (GRCh38, 1-based): chr2:202,555,257, T>G. VCF-style: chr2-202555257-T-G. GRCh37 (hg19) VCF-style: chr2-203419980-T-G.
Other names: short protein forms L531R.
Identifiers: ClinVar variation 5033097 (VCV005033097.1).

ClinVar aggregate classification (germline): Uncertain significance (1 of 4 stars; one submission).

Conditions:
Inborn genetic diseases. Identifiers: MedGen C0950123, MeSH D030342.

Submission:

Ambry Genetics
Classification: Uncertain significance for Inborn genetic diseases. Last evaluated: 2026-07-20. Review status: criteria provided, single submitter. Criteria: Ambry Variant Classification Scheme 2023. Collection method: clinical testing. Allele origin: germline.
Comment: The p.L531R variant (also known as c.1592T>G), located in coding exon 12 of the BMPR2 gene, results from a T to G substitution at nucleotide position 1592. The leucine at codon 531 is replaced by arginine, an amino acid with dissimilar properties. This amino acid position is conserved. In addition, this alteration is predicted to be deleterious by in silico analysis. Based on the available evidence, the clinical significance of this variant remains unclear.